The following is an entry in ClinVar:

NM_001384900.1(SEMA3D):c.786C>A (p.Phe262Leu)

Gene: SEMA3D (semaphorin 3D; minus strand). Cytogenetic location: 7q21.11.
Variant type: single nucleotide variant.
Coding change: c.786C>A on transcript NM_001384900.1 (MANE Select); coding-DNA position 786, C replaced by A.
Protein change: p.Phe262Leu; replaces phenylalanine 262 with leucine.
Molecular consequence: missense variant.
Genome position (GRCh38, 1-based): chr7:85,055,792, G>T on the plus strand (C>A on the coding strand, the complement: SEMA3D is on the minus strand). VCF-style: chr7-85055792-G-T. GRCh37 (hg19) VCF-style: chr7-84685108-G-T.
Other names: c.786C>A, p.Phe262Leu (NM_001384901.1, NM_001384902.1, NM_001384903.1 and 1 more transcripts); short protein forms F262L.
Identifiers: ClinVar variation 3357465 (VCV003357465.1).

ClinVar aggregate classification (germline): Uncertain significance (0 of 4 stars; one submission).

Conditions:
SEMA3D-related disorder. Also called: SEMA3D-related condition.

Submission:

PreventionGenetics, part of Exact Sciences
Classification: Uncertain significance for SEMA3D-related condition. Last evaluated: 2024-08-07. Review status: no assertion criteria provided. Collection method: clinical testing. Allele origin: germline.
Comment: The SEMA3D c.786C>A variant is predicted to result in the amino acid substitution p.Phe262Leu. To our knowledge, this variant has not been reported in the literature or in a large population database, indicating this variant is rare. At this time, the clinical significance of this variant is uncertain due to the absence of conclusive functional and genetic evidence.